The following is an entry in ClinVar:

ClinVar aggregate classification (germline): Likely benign (1 of 4 stars; one submission).

Conditions:
COL11A1-related disorder. Also called: COL11A1-related disorders; COL11A1-related condition.

gnomAD v4.1: 1 of 1,614,214 alleles (0.000062%); highest among the groups gnomAD compares: African/African-American, 0.0013%; no homozygotes.

Submission:

PreventionGenetics, part of Exact Sciences
Classification: Likely benign for COL11A1-related condition. Last evaluated: 2026-04-07. Review status: criteria provided, single submitter. Criteria: ACMG Guidelines, 2015. Collection method: clinical testing. Allele origin: germline.
Comment: This variant is classified as likely benign based on ACMG/AMP sequence variant interpretation guidelines (Richards et al. 2015 PMID: 25741868, with internal and published modifications).

NM_001854.4(COL11A1):c.2661T>G (p.Pro887=)

Gene: COL11A1 (collagen type XI alpha 1 chain; minus strand). Cytogenetic location: 1p21.1.
Variant type: single nucleotide variant.
Coding change: c.2661T>G on transcript NM_001854.4 (MANE Select); coding-DNA position 2661, T replaced by G.
Protein change: p.Pro887=; no amino-acid change (proline 887 retained).
Molecular consequence: synonymous variant. On other transcripts: non-coding transcript variant (1).
Genome position (GRCh38, 1-based): chr1:102,978,908, A>C on the plus strand (T>G on the coding strand, the complement: COL11A1 is on the minus strand). VCF-style: chr1-102978908-A-C. GRCh37 (hg19) VCF-style: chr1-103444464-A-C.
Other names: c.2544T>G, p.Pro848= (NM_001190709.2); c.2697T>G, p.Pro899= (NM_080629.3); c.2313T>G, p.Pro771= (NM_080630.4).
Identifiers: ClinVar variation 4994994 (VCV004994994.1).